The following is an entry in ClinVar:

NM_003036.4(SKI):c.1096-10T>G

Gene: SKI (SKI proto-oncogene; plus strand). Cytogenetic location: 1p36.32.
Variant type: single nucleotide variant.
Coding change: c.1096-10T>G on transcript NM_003036.4 (MANE Select); 10 bases into the intron before coding-DNA position 1096, T replaced by G.
Molecular consequence: intron variant.
Genome position (GRCh38, 1-based): chr1:2,303,275, T>G. VCF-style: chr1-2303275-T-G. GRCh37 (hg19) VCF-style: chr1-2234714-T-G.
Identifiers: ClinVar variation 507364 (VCV000507364.1), dbSNP rs752587204, ClinGen allele CA536583.

ClinVar aggregate classification (germline): Likely benign (1 of 4 stars; one submission).

Allele frequency attached by ClinVar (database versions not stated): gnomAD exomes below 0.00001; ExAC 0.00001.
gnomAD v4.1: 3 of 1,612,874 alleles (0.00019%); highest among the groups gnomAD compares: Non-Finnish European, 0.00025%; no homozygotes.

Submission:

GeneDx
Classification: Likely benign. Last evaluated: 2017-02-14. Review status: criteria provided, single submitter. Criteria: GeneDx Variant Classification (06012015). Collection method: clinical testing. Allele origin: germline. Affected: yes.
Comment: This variant is considered likely benign or benign based on one or more of the following criteria: it is a conservative change, it occurs at a poorly conserved position in the protein, it is predicted to be benign by multiple in silico algorithms, and/or has population frequency not consistent with disease.